The following is an entry in ClinVar:

ClinVar aggregate classification (germline): Uncertain significance (1 of 4 stars; one submission).

Conditions:
Arrhythmogenic right ventricular dysplasia 10. Also called: ARRHYTHMOGENIC RIGHT VENTRICULAR DYSPLASIA, FAMILIAL, 10; Arrhythmogenic Right Ventricular Dysplasia/Cardiomyopathy10; Arrhythmogenic right ventricular dysplasia/cardiomyopathy, type 10. Identifiers: MedGen C1857777, MONDO:0012434, OMIM 610193.

Submission:

Labcorp Genetics (formerly Invitae), Labcorp
Classification: Uncertain significance for Arrhythmogenic right ventricular dysplasia 10. Last evaluated: 2022-05-12. Review status: criteria provided, single submitter. Criteria: Invitae Variant Classification Sherloc (09022015). Collection method: clinical testing. Allele origin: germline.
Comment: In summary, the available evidence is currently insufficient to determine the role of this variant in disease. Therefore, it has been classified as a Variant of Uncertain Significance. Algorithms developed to predict the effect of sequence changes on RNA splicing suggest that this variant may create or strengthen a splice site. Algorithms developed to predict the effect of missense changes on protein structure and function (SIFT, PolyPhen-2, Align-GVGD) all suggest that this variant is likely to be tolerated. This variant has not been reported in the literature in individuals affected with DSG2-related conditions. This variant is not present in population databases (gnomAD no frequency). This sequence change replaces arginine, which is basic and polar, with lysine, which is basic and polar, at codon 32 of the DSG2 protein (p.Arg32Lys).

NM_001943.5(DSG2):c.95G>A (p.Arg32Lys)

Gene: DSG2 (desmoglein 2; plus strand). Cytogenetic location: 18q12.1.
Variant type: single nucleotide variant.
Coding change: c.95G>A on transcript NM_001943.5 (MANE Select); coding-DNA position 95, G replaced by A.
Protein change: p.Arg32Lys; replaces arginine 32 with lysine.
Molecular consequence: missense variant.
Genome position (GRCh38, 1-based): chr18:31,519,816, G>A. VCF-style: chr18-31519816-G-A. GRCh37 (hg19) VCF-style: chr18-29099779-G-A.
Other names: short protein forms R32K.
Identifiers: ClinVar variation 1969687 (VCV001969687.5), dbSNP rs2510910290, ClinGen allele CA402130566.